The following is an entry in ClinVar:

NM_001349253.2(SCN11A):c.2759C>G (p.Ala920Gly)

Gene: SCN11A (sodium voltage-gated channel alpha subunit 11; minus strand). Cytogenetic location: 3p22.2.
Variant type: single nucleotide variant.
Coding change: c.2759C>G on transcript NM_001349253.2 (MANE Select); coding-DNA position 2759, C replaced by G.
Protein change: p.Ala920Gly; replaces alanine 920 with glycine.
Molecular consequence: missense variant.
Genome position (GRCh38, 1-based): chr3:38,894,609, G>C on the plus strand (C>G on the coding strand, the complement: SCN11A is on the minus strand). VCF-style: chr3-38894609-G-C. GRCh37 (hg19) VCF-style: chr3-38936100-G-C.
Other names: c.2759C>G, p.Ala920Gly (NM_014139.3); short protein forms A920G.
Identifiers: ClinVar variation 1723781 (VCV001723781.8), dbSNP rs759694252, ClinGen allele CA2321976.

ClinVar aggregate classification (germline): Uncertain significance. Review status: criteria provided, multiple submitters, no conflicts (2 of 4 stars). 3 submissions from 3 submitters: Uncertain significance (3). Last evaluated 2026-07-14.

Conditions:
SCN11A-related disorder. Also called: SCN11A-related condition.
Hereditary sensory and autonomic neuropathy type 7. Also called: HSAN VII; Neuropathy, hereditary sensory and autonomic, type VII. Identifiers: Orphanet 391397, MedGen C3809882, MONDO:0014244, OMIM 615548.
Familial episodic pain syndrome with predominantly lower limb involvement. Also called: Episodic pain syndrome, familial, 3. Identifiers: Orphanet 391384, Orphanet 391392, MedGen C3809899, MONDO:0014247, OMIM 615552.

gnomAD v4.1: 38 of 1,613,902 alleles (0.0024%); highest among the groups gnomAD compares: Non-Finnish European, 0.0032%; no homozygotes.

Submissions (3):

PreventionGenetics, part of Exact Sciences
Classification: Uncertain significance for SCN11A-related condition. Last evaluated: 2026-07-14. Review status: criteria provided, single submitter. Criteria: ACMG Guidelines, 2015. Collection method: clinical testing. Allele origin: germline.
Comment: The SCN11A c.2759C>G variant is predicted to result in the amino acid substitution p.Ala920Gly. To our knowledge, this variant has not been reported in the literature. This variant is reported in 0.0044% of alleles in individuals of European (non-Finnish) descent in gnomAD. At this time, the clinical significance of this variant is uncertain due to the absence of conclusive functional and genetic evidence.

Labcorp Genetics (formerly Invitae), Labcorp
Classification: Uncertain significance for Familial episodic pain syndrome with predominantly lower limb involvement; Hereditary sensory and autonomic neuropathy type 7. Last evaluated: 2024-08-01. Review status: criteria provided, single submitter. Criteria: Invitae Variant Classification Sherloc (09022015). Collection method: clinical testing. Allele origin: germline.
Comment: This sequence change replaces alanine, which is neutral and non-polar, with glycine, which is neutral and non-polar, at codon 920 of the SCN11A protein (p.Ala920Gly). This variant is present in population databases (rs759694252, gnomAD 0.004%). This variant has not been reported in the literature in individuals affected with SCN11A-related conditions. ClinVar contains an entry for this variant (Variation ID: 1723781). Advanced modeling of protein sequence and biophysical properties (such as structural, functional, and spatial information, amino acid conservation, physicochemical variation, residue mobility, and thermodynamic stability) performed at Invitae indicates that this missense variant is not expected to disrupt SCN11A protein function with a negative predictive value of 80%. In summary, the available evidence is currently insufficient to determine the role of this variant in disease. Therefore, it has been classified as a Variant of Uncertain Significance.

GeneDx
Classification: Uncertain significance. Last evaluated: 2022-05-09. Review status: criteria provided, single submitter. Criteria: GeneDx Variant Classification Process June 2021. Collection method: clinical testing. Allele origin: germline. Affected: yes.
Comment: In silico analysis supports that this missense variant has a deleterious effect on protein structure/function; Has not been previously published as pathogenic or benign to our knowledge